The following is an entry in ClinVar:

ClinVar aggregate classification (germline): Uncertain significance (1 of 4 stars; one submission).

Submission:

GeneDx
Classification: Uncertain significance. Last evaluated: 2021-08-16. Review status: criteria provided, single submitter. Criteria: GeneDx Variant Classification Process June 2021. Collection method: clinical testing. Allele origin: germline. Affected: yes.
Comment: Not observed at significant frequency in large population cohorts (gnomAD); In silico analysis is inconclusive as to whether the variant alters gene splicing. In the absence of RNA/functional studies, the actual effect of this sequence change is unknown.; Has not been previously published as pathogenic or benign to our knowledge

NM_007325.5(GRIA3):c.109+5G>A

Gene: GRIA3 (glutamate ionotropic receptor AMPA type subunit 3; plus strand). Cytogenetic location: Xq25.
Variant type: single nucleotide variant.
Coding change: c.109+5G>A on transcript NM_007325.5 (MANE Select); 5 bases into the intron after coding-DNA position 109, G replaced by A.
Molecular consequence: intron variant.
Genome position (GRCh38, 1-based): chrX:123,184,649, G>A. VCF-style: chrX-123184649-G-A. GRCh37 (hg19) VCF-style: chrX-122318501-G-A.
Other names: c.109+5G>A (NM_000828.5, NM_001256743.2).
Identifiers: ClinVar variation 2497870 (VCV002497870.1), dbSNP rs2520419213, ClinGen allele CA2580100273.